The following is an entry in ClinVar:

ClinVar aggregate classification (germline): Uncertain significance (1 of 4 stars; one submission).

Conditions:
Telangiectasia, hereditary hemorrhagic, type 5 (HHT5). Identifiers: Orphanet 774, MedGen C3809710, MONDO:0014217, OMIM 615506.

Allele frequency attached by ClinVar (database versions not stated): gnomAD exomes below 0.00001 and 0.00003; ExAC 0.00001; gnomAD 0.00001; TOPMed 0.00001.
gnomAD v4.1: 45 of 1,613,774 alleles (0.0028%); highest among the groups gnomAD compares: Non-Finnish European, 0.0038%; no homozygotes.

Submission:

Labcorp Genetics (formerly Invitae), Labcorp
Classification: Uncertain significance for Telangiectasia, hereditary hemorrhagic, type 5. Last evaluated: 2022-01-14. Review status: criteria provided, single submitter. Criteria: Invitae Variant Classification Sherloc (09022015). Collection method: clinical testing. Allele origin: germline.
Comment: This sequence change replaces alanine, which is neutral and non-polar, with valine, which is neutral and non-polar, at codon 347 of the GDF2 protein (p.Ala347Val). This variant is present in population databases (rs782452633, gnomAD 0.0009%). This missense change has been observed in individual(s) with autosomal dominant pulmonary hypertension (PMID: 31661308). ClinVar contains an entry for this variant (Variation ID: 646444). Algorithms developed to predict the effect of missense changes on protein structure and function are either unavailable or do not agree on the potential impact of this missense change (SIFT: "Deleterious"; PolyPhen-2: "Possibly Damaging"; Align-GVGD: "Class C0"). Experimental studies have shown that this missense change affects GDF2 function (PMID: 31661308). In summary, the available evidence is currently insufficient to determine the role of this variant in disease. Therefore, it has been classified as a Variant of Uncertain Significance.

Literature cited by the submitters: PubMed 31661308.

NM_016204.4(GDF2):c.1040C>T (p.Ala347Val)

Gene: GDF2 (growth differentiation factor 2; plus strand). Cytogenetic location: 10q11.22.
Variant type: single nucleotide variant.
Coding change: c.1040C>T on transcript NM_016204.4 (MANE Select); coding-DNA position 1040, C replaced by T.
Protein change: p.Ala347Val; replaces alanine 347 with valine.
Molecular consequence: missense variant.
Genome position (GRCh38, 1-based): chr10:47,325,534, C>T. VCF-style: chr10-47325534-C-T. GRCh37 (hg19) VCF-style: chr10-48413828-G-A.
Other names: short protein forms A347V.
Identifiers: ClinVar variation 646444 (VCV000646444.6), dbSNP rs782452633, ClinGen allele CA5487958.